The following is an entry in ClinVar:

NM_177965.4(CFAP418):c.310T>G (p.Cys104Gly)

Gene: CFAP418 (cilia and flagella associated protein 418; minus strand). Cytogenetic location: 8q22.1.
Variant type: single nucleotide variant.
Coding change: c.310T>G on transcript NM_177965.4 (MANE Select); coding-DNA position 310, T replaced by G.
Protein change: p.Cys104Gly; replaces cysteine 104 with glycine.
Molecular consequence: missense variant.
Genome position (GRCh38, 1-based): chr8:95,259,904, A>C on the plus strand (T>G on the coding strand, the complement: CFAP418 is on the minus strand). VCF-style: chr8-95259904-A-C. GRCh37 (hg19) VCF-style: chr8-96272132-A-C.
Other names: c.310T>G, p.Cys104Gly (NM_001363260.1); short protein forms C104G.
Identifiers: ClinVar variation 1025565 (VCV001025565.6), dbSNP rs1811858573, ClinGen allele CA371838796.
Genomic context (GRCh38, chr8:95,259,904, plus strand): 5'-ATGAAATATTTGTTCCAATCCCACATGGAATAGAGCTTCCACCAAGGTACACCGGACTGC[A>C]ACTAGATGTGTTCAACAGATGCAAAAATATGAAGTTATAACAAAAAATAGGAGAAGTTAA-3'
Protein context (NP_808880.1, residues 94-114): RASIEGLGKS[Cys104Gly]SPVYLGGSSI

ClinVar aggregate classification (germline): Uncertain significance (1 of 4 stars; one submission).

Submission:

Labcorp Genetics (formerly Invitae), Labcorp
Classification: Uncertain significance. Last evaluated: 2021-09-24. Review status: criteria provided, single submitter. Criteria: Invitae Variant Classification Sherloc (09022015). Collection method: clinical testing. Allele origin: germline.
Comment: This sequence change replaces cysteine with glycine at codon 104 of the C8orf37 protein (p.Cys104Gly). The cysteine residue is highly conserved and there is a large physicochemical difference between cysteine and glycine. This variant is not present in population databases (ExAC no frequency). This variant has not been reported in the literature in individuals affected with C8orf37-related conditions. Algorithms developed to predict the effect of missense changes on protein structure and function (SIFT, PolyPhen-2, Align-GVGD) all suggest that this variant is likely to be disruptive. In summary, the available evidence is currently insufficient to determine the role of this variant in disease. Therefore, it has been classified as a Variant of Uncertain Significance.